The following is an entry in ClinVar:

NM_000255.4(MMUT):c.-16G>A

Gene: MMUT (methylmalonyl-CoA mutase; minus strand). Cytogenetic location: 6p12.3.
Variant type: single nucleotide variant.
Coding change: c.-16G>A on transcript NM_000255.4 (MANE Select); 16 bases upstream of the start codon, G replaced by A.
Molecular consequence: 5 prime UTR variant.
Genome position (GRCh38, 1-based): chr6:49,459,482, C>T on the plus strand (G>A on the coding strand, the complement: MMUT is on the minus strand). VCF-style: chr6-49459482-C-T. GRCh37 (hg19) VCF-style: chr6-49427195-C-T.
Identifiers: ClinVar variation 390422 (VCV000390422.1), dbSNP rs781555363, ClinGen allele CA16605108.

ClinVar aggregate classification (germline): Likely benign (1 of 4 stars; one submission).

Submission:

GeneDx
Classification: Likely benign. Last evaluated: 2016-11-04. Review status: criteria provided, single submitter. Criteria: GeneDx Variant Classification (06012015). Collection method: clinical testing. Allele origin: germline. Affected: yes.
Comment: This variant is considered likely benign or benign based on one or more of the following criteria: it is a conservative change, it occurs at a poorly conserved position in the protein, it is predicted to be benign by multiple in silico algorithms, and/or has population frequency not consistent with disease.